The following is an entry in ClinVar:

NM_025009.5(CEP135):c.10G>T (p.Ala4Ser)

Gene: CEP135 (centrosomal protein 135; plus strand). Cytogenetic location: 4q12.
Variant type: single nucleotide variant.
Coding change: c.10G>T on transcript NM_025009.5 (MANE Select); coding-DNA position 10, G replaced by T.
Protein change: p.Ala4Ser; replaces alanine 4 with serine.
Molecular consequence: missense variant.
Genome position (GRCh38, 1-based): chr4:55,952,140, G>T. VCF-style: chr4-55952140-G-T. GRCh37 (hg19) VCF-style: chr4-56818306-G-T.
Other names: short protein forms A4S.
Identifiers: ClinVar variation 1397391 (VCV001397391.8), dbSNP rs1167562141, ClinGen allele CA356963230.

ClinVar aggregate classification (germline): Uncertain significance (1 of 4 stars; one submission).

Allele frequency attached by ClinVar (database versions not stated): gnomAD exomes below 0.00001 and 0.00002; gnomAD 0.00001.
gnomAD v4.1: 24 of 1,598,938 alleles (0.0015%); highest among the groups gnomAD compares: Non-Finnish European, 0.002%; no homozygotes.

Submission:

Labcorp Genetics (formerly Invitae), Labcorp
Classification: Uncertain significance. Last evaluated: 2022-07-19. Review status: criteria provided, single submitter. Criteria: Invitae Variant Classification Sherloc (09022015). Collection method: clinical testing. Allele origin: germline.
Comment: This sequence change replaces alanine, which is neutral and non-polar, with serine, which is neutral and polar, at codon 4 of the CEP135 protein (p.Ala4Ser). This variant is present in population databases (no rsID available, gnomAD 0.0009%). This variant has not been reported in the literature in individuals affected with CEP135-related conditions. ClinVar contains an entry for this variant (Variation ID: 1397391). Algorithms developed to predict the effect of missense changes on protein structure and function are either unavailable or do not agree on the potential impact of this missense change (SIFT: "Tolerated"; PolyPhen-2: "Possibly Damaging"; Align-GVGD: "Class C0"). In summary, the available evidence is currently insufficient to determine the role of this variant in disease. Therefore, it has been classified as a Variant of Uncertain Significance.